The following is an entry in ClinVar:

ClinVar aggregate classification (germline): Uncertain significance (1 of 4 stars; one submission).

Conditions:
Hypercholesterolemia, autosomal dominant, 3 (FHCL3). Also called: Familial Hypercholesterolemia, Autosomal Dominant, 3; PCSK9-Related Familial Hypercholesterolemia, Autosomal Dominant; Familial hypercholesterolemia 3. Identifiers: MedGen C1863551, MONDO:0011369, OMIM 603776.

Allele frequency attached by ClinVar (database versions not stated): TOPMed below 0.00001.
gnomAD v4.1: 2 of 1,612,926 alleles (0.00012%); highest among the groups gnomAD compares: Non-Finnish European, 0.00017%; no homozygotes.

Submission:

All of Us Research Program, National Institutes of Health
Classification: Uncertain significance for Hypercholesterolemia, autosomal dominant, 3. Last evaluated: 2024-01-11. Review status: criteria provided, single submitter. Criteria: ACMG Guidelines, 2015. Collection method: clinical testing. Allele origin: germline. Inheritance: Autosomal dominant inheritance. Observed: 1 variant allele, 1 heterozygote.
Comment: This study involves interpretation of variants in research participants for the purpose of population health screening. Participant phenotype was not available at the time of variant classification. Additional details can be found in publication PMID: 35346344, PMCID: PMC8962531

NM_174936.4(PCSK9):c.799+5G>A

Gene: PCSK9 (proprotein convertase subtilisin/kexin type 9; plus strand). Cytogenetic location: 1p32.3.
Variant type: single nucleotide variant.
Coding change: c.799+5G>A on transcript NM_174936.4 (MANE Select); 5 bases into the intron after coding-DNA position 799, G replaced by A.
Molecular consequence: intron variant.
Genome position (GRCh38, 1-based): chr1:55,052,796, G>A. VCF-style: chr1-55052796-G-A. GRCh37 (hg19) VCF-style: chr1-55518469-G-A.
Other names: c.424+5G>A (NM_001407246.1); c.922+5G>A (NM_001407240.1); c.802+5G>A (NM_001407242.1); c.799+5G>A (NM_001407241.1, NM_001407244.1, NM_001407247.1); c.742+5G>A (NM_001407243.1); c.607+5G>A (NM_001407245.1).
Identifiers: ClinVar variation 3075209 (VCV003075209.1), dbSNP rs1236589300, ClinGen allele CA736997824.